The following is an entry in ClinVar:

NM_004700.4(KCNQ4):c.821T>C (p.Leu274Pro)

Gene: KCNQ4 (potassium voltage-gated channel subfamily Q member 4; plus strand). Cytogenetic location: 1p34.2.
Variant type: single nucleotide variant.
Coding change: c.821T>C on transcript NM_004700.4 (MANE Select); coding-DNA position 821, T replaced by C.
Protein change: p.Leu274Pro; replaces leucine 274 with proline.
Molecular consequence: missense variant.
Genome position (GRCh38, 1-based): chr1:40,819,459, T>C. VCF-style: chr1-40819459-T-C. GRCh37 (hg19) VCF-style: chr1-41285131-T-C.
Other names: c.821T>C, p.Leu274Pro (NM_172163.3); short protein forms L274P.
Identifiers: ClinVar variation 4746692 (VCV004746692.1).

ClinVar aggregate classification (germline): Uncertain significance (1 of 4 stars; one submission).

Submission:

Labcorp Genetics (formerly Invitae), Labcorp
Classification: Uncertain significance. Last evaluated: 2025-11-15. Review status: criteria provided, single submitter. Criteria: Invitae Variant Classification Sherloc (09022015). Collection method: clinical testing. Allele origin: germline.
Comment: This sequence change replaces leucine, which is neutral and non-polar, with proline, which is neutral and non-polar, at codon 274 of the KCNQ4 protein (p.Leu274Pro). This variant is not present in population databases (gnomAD no frequency). This variant has not been reported in the literature in individuals affected with KCNQ4-related conditions. Invitae Evidence Modeling of protein sequence and biophysical properties (such as structural, functional, and spatial information, amino acid conservation, physicochemical variation, residue mobility, and thermodynamic stability) indicates that this missense variant is expected to disrupt KCNQ4 protein function with a positive predictive value of 95%. In summary, the available evidence is currently insufficient to determine the role of this variant in disease. Therefore, it has been classified as a Variant of Uncertain Significance.